The following is an entry in ClinVar:

NM_006231.4(POLE):c.2955C>G (p.Phe985Leu)

Gene: POLE (DNA polymerase epsilon, catalytic subunit; minus strand). Cytogenetic location: 12q24.33.
Variant type: single nucleotide variant.
Coding change: c.2955C>G on transcript NM_006231.4 (MANE Select); coding-DNA position 2955, C replaced by G.
Protein change: p.Phe985Leu; replaces phenylalanine 985 with leucine.
Molecular consequence: missense variant.
Genome position (GRCh38, 1-based): chr12:132,661,074, G>C on the plus strand (C>G on the coding strand, the complement: POLE is on the minus strand). VCF-style: chr12-132661074-G-C. GRCh37 (hg19) VCF-style: chr12-133237660-G-C.
Other names: short protein forms F985L.
Identifiers: ClinVar variation 3659205 (VCV003659205.2).

ClinVar aggregate classification (germline): Uncertain significance (1 of 4 stars; one submission).

Submission:

Labcorp Genetics (formerly Invitae), Labcorp
Classification: Uncertain significance. Last evaluated: 2024-07-11. Review status: criteria provided, single submitter. Criteria: Invitae Variant Classification Sherloc (09022015). Collection method: clinical testing. Allele origin: germline.
Comment: This sequence change replaces phenylalanine, which is neutral and non-polar, with leucine, which is neutral and non-polar, at codon 985 of the POLE protein (p.Phe985Leu). This variant is not present in population databases (gnomAD no frequency). This variant has not been reported in the literature in individuals affected with POLE-related conditions. Advanced modeling of protein sequence and biophysical properties (such as structural, functional, and spatial information, amino acid conservation, physicochemical variation, residue mobility, and thermodynamic stability) performed at Invitae indicates that this missense variant is expected to disrupt POLE protein function with a positive predictive value of 80%. In summary, the available evidence is currently insufficient to determine the role of this variant in disease. Therefore, it has been classified as a Variant of Uncertain Significance.